The following is an entry in ClinVar:

NM_144508.5(KNL1):c.5508C>T (p.Asp1836=)

Gene: KNL1 (kinetochore scaffold 1; plus strand). Cytogenetic location: 15q15.1.
Variant type: single nucleotide variant.
Coding change: c.5508C>T on transcript NM_144508.5 (MANE Select); coding-DNA position 5508, C replaced by T.
Protein change: p.Asp1836=; no amino-acid change (aspartic acid 1836 retained).
Molecular consequence: synonymous variant.
Genome position (GRCh38, 1-based): chr15:40,628,201, C>T. VCF-style: chr15-40628201-C-T. GRCh37 (hg19) VCF-style: chr15-40920399-C-T.
Other names: c.5586C>T, p.Asp1862= (NM_170589.5).
Identifiers: ClinVar variation 2645181 (VCV002645181.24), dbSNP rs2504290122, ClinGen allele CA489768707.
Genomic context (GRCh38, chr15:40,628,201, plus strand): 5'-GACCCCATCTAGTTGCAGCAGCTCTCTGGATTCAATCAAGGCTGATGGGACCTCTCTGGA[C>T]TTCAGCAGTAAGAGCTTCATGAAGGCTAAATAATAGCAGCCATCTGCTTACTTAACTAAT-3'
Protein context (NP_653091.3, residues 1826-1846): DSIKADGTSL[Asp1836=]FSTYRSSQME

ClinVar aggregate classification (germline): Likely benign (1 of 4 stars; one submission).

Allele frequency attached by ClinVar (database versions not stated): gnomAD exomes 0.00001.
gnomAD v4.1: 3 of 1,594,872 alleles (0.00019%); highest among the groups gnomAD compares: Middle Eastern, 0.033%; no homozygotes.

Submission:

CeGaT Center for Human Genetics Tuebingen
Classification: Likely benign. Last evaluated: 2022-06-01. Review status: criteria provided, single submitter. Criteria: CeGaT Center For Human Genetics Tuebingen Variant Classification Criteria Version 2. Collection method: clinical testing. Allele origin: germline. Affected: yes. Observed: 1 variant allele.
Comment: KNL1: PM2:Supporting, BP4, BP7